The following is an entry in ClinVar:

NM_003289.4(TPM2):c.268C>T (p.Arg90Cys)

Gene: TPM2 (tropomyosin 2; minus strand). Cytogenetic location: 9p13.3.
Variant type: single nucleotide variant.
Coding change: c.268C>T on transcript NM_003289.4 (MANE Select); coding-DNA position 268, C replaced by T.
Protein change: p.Arg90Cys; replaces arginine 90 with cysteine.
Molecular consequence: missense variant.
Genome position (GRCh38, 1-based): chr9:35,685,753, G>A on the plus strand (C>T on the coding strand, the complement: TPM2 is on the minus strand). VCF-style: chr9-35685753-G-A. GRCh37 (hg19) VCF-style: chr9-35685750-G-A.
Other names: c.268C>T, p.Arg90Cys (NM_001301226.2, NM_001301227.2, NM_213674.1); short protein forms R90C.
Identifiers: ClinVar variation 1703165 (VCV001703165.4), dbSNP rs2490685001, ClinGen allele CA373368502.

ClinVar aggregate classification (germline): Uncertain significance (1 of 4 stars; one submission).

Allele frequency attached by ClinVar (database versions not stated): gnomAD exomes below 0.00001.
gnomAD v4.1: 2 of 1,614,186 alleles (0.00012%); highest among the groups gnomAD compares: Non-Finnish European, 0.000085%; no homozygotes.

Submission:

Greenwood Genetic Center Diagnostic Laboratories, Greenwood Genetic Center
Classification: Uncertain significance. Last evaluated: 2022-04-27. Review status: criteria provided, single submitter. Criteria: ACMG Guidelines, 2015. Collection method: clinical testing. Allele origin: germline. Affected: yes.
Comment: PM2, PP3